The following is an entry in ClinVar:

NM_001171201.1(UBAP1):c.25A>T (p.Arg9Trp)

Gene: UBAP1 (ubiquitin associated protein 1; plus strand). Cytogenetic location: 9p13.3.
Variant type: single nucleotide variant.
Coding change: c.25A>T on transcript NM_001171201.1; coding-DNA position 25, A replaced by T.
Protein change: p.Arg9Trp; replaces arginine 9 with tryptophan.
Molecular consequence: missense variant.
Genome position (GRCh38, 1-based): chr9:34,179,039, A>T. VCF-style: chr9-34179039-A-T. GRCh37 (hg19) VCF-style: chr9-34179037-A-T.
Other names: c.25A>T, p.Arg9Trp (NM_001171202.1); short protein forms R9W.
Identifiers: ClinVar variation 2346184 (VCV002346184.9), dbSNP rs200117818, ClinGen allele CA5031212.

ClinVar aggregate classification (germline): Conflicting classifications of pathogenicity. Review status: criteria provided, conflicting classifications (1 of 4 stars). 4 submissions from 4 submitters: Uncertain significance (2); Likely benign (1). 1 of the submissions does not count toward it. Last evaluated 2026-03-01.

Conditions:
Inborn genetic diseases. Identifiers: MedGen C0950123, MeSH D030342.
Spastic paraplegia 80, autosomal dominant. Identifiers: Orphanet 631068, MedGen C5193084, MONDO:0032737, OMIM 618418.
UBAP1-related disorder. Also called: UBAP1-related condition.

Allele frequency attached by ClinVar (database versions not stated): gnomAD 0.00034; 1000 Genomes Project 30x 0.00016; 1000 Genomes Project 0.00020; TOPMed 0.00044; ExAC 0.00048; gnomAD exomes 0.00120.
gnomAD v4.1: 1,377 of 1,263,426 alleles (0.11%); highest among the groups gnomAD compares: Non-Finnish European, 0.13%; 2 homozygotes.

Submissions (4):

CeGaT Center for Human Genetics Tuebingen
Classification: Likely benign. Last evaluated: 2026-03-01. Review status: criteria provided, single submitter. Criteria: CeGaT Center For Human Genetics Tuebingen Variant Classification Criteria Version 2. Collection method: clinical testing. Allele origin: germline. Affected: yes. Observed: 1 variant allele.
Comment: UBAP1: BS1

Ambry Genetics
Classification: Uncertain significance for Inborn genetic diseases. Last evaluated: 2024-03-11. Review status: criteria provided, single submitter. Criteria: Ambry Variant Classification Scheme 2023. Collection method: clinical testing. Allele origin: germline.

Department of Pathology and Laboratory Medicine, Sinai Health System
Classification: Uncertain significance for Spastic paraplegia 80, autosomal dominant. Last evaluated: 2023-06-20. Review status: criteria provided, single submitter. Criteria: ACMG Guidelines, 2015. Collection method: research. Allele origin: germline.

PreventionGenetics, part of Exact Sciences
Classification: Likely benign for UBAP1-related condition. Last evaluated: 2022-02-17. Review status: no assertion criteria provided. Collection method: clinical testing. Allele origin: germline. Not counted in ClinVar's aggregate classification.
Comment: This variant is classified as likely benign based on ACMG/AMP sequence variant interpretation guidelines (Richards et al. 2015 PMID: 25741868, with internal and published modifications).